The following is an entry in ClinVar:

ClinVar aggregate classification (germline): Conflicting classifications of pathogenicity. Review status: criteria provided, conflicting classifications (1 of 4 stars). 2 submissions from 2 submitters: Uncertain significance (1); Likely benign (1). Last evaluated 2023-12-13.

Conditions:
Arrhythmogenic cardiomyopathy with wooly hair and keratoderma. Also called: Dilated cardiomyopathy with woolly hair and keratoderma; PALMOPLANTAR KERATODERMA WITH LEFT VENTRICULAR CARDIOMYOPATHY AND WOOLLY HAIR; Arrhythmogenic cardiomyopathy with woolly hair and keratoderma; Carvajal syndrome. Identifiers: Orphanet 65282, MedGen C1854063, MONDO:0011581, OMIM 605676.
Arrhythmogenic right ventricular dysplasia 8 (ARVD8). Also called: Arrhythmogenic Right Ventricular Dysplasia/Cardiomyopathy 8; ARRHYTHMOGENIC RIGHT VENTRICULAR CARDIOMYOPATHY 8; ARRHYTHMOGENIC RIGHT VENTRICULAR DYSPLASIA, FAMILIAL, 8. Identifiers: MedGen C1843896, MONDO:0011831, OMIM 607450.

Allele frequency attached by ClinVar (database versions not stated): TOPMed 0.00001.

Submissions (2):

All of Us Research Program, National Institutes of Health
Classification: Uncertain significance for Arrhythmogenic cardiomyopathy with wooly hair and keratoderma. Last evaluated: 2023-12-13. Review status: criteria provided, single submitter. Criteria: ACMG Guidelines, 2015. Collection method: clinical testing. Allele origin: germline. Inheritance: Autosomal dominant inheritance. Observed: 3 variant alleles, 3 heterozygotes.
Comment: This variant is located in the DSP protein. To our knowledge, functional studies have not been reported for this variant. This variant has not been reported in individuals affected with DSP-related disorders in the literature. This variant has not been identified in the general population by the Genome Aggregation Database (gnomAD). The available evidence is insufficient to determine the role of this variant in disease conclusively. Therefore, this variant is classified as a Variant of Uncertain Significance.

This study involves interpretation of variants in research participants for the purpose of population health screening. Participant phenotype was not available at the time of variant classification. Additional details can be found in publication PMID: 35346344, PMCID: PMC8962531

Labcorp Genetics (formerly Invitae), Labcorp
Classification: Likely benign for Arrhythmogenic cardiomyopathy with wooly hair and keratoderma; Arrhythmogenic right ventricular dysplasia 8. Last evaluated: 2019-06-07. Review status: criteria provided, single submitter. Criteria: Invitae Variant Classification Sherloc (09022015). Collection method: clinical testing. Allele origin: germline.

NM_004415.4(DSP):c.7728T>G (p.Gly2576=)

Gene: DSP (desmoplakin; plus strand). Cytogenetic location: 6p24.3.
Variant type: single nucleotide variant.
Coding change: c.7728T>G on transcript NM_004415.4 (MANE Select); coding-DNA position 7728, T replaced by G.
Protein change: p.Gly2576=; no amino-acid change (glycine 2576 retained).
Molecular consequence: synonymous variant.
Genome position (GRCh38, 1-based): chr6:7,584,990, T>G. VCF-style: chr6-7584990-T-G. GRCh37 (hg19) VCF-style: chr6-7585223-T-G.
Other names: c.5931T>G, p.Gly1977= (NM_001008844.3); c.6399T>G, p.Gly2133= (NM_001319034.2).
Identifiers: ClinVar variation 1145749 (VCV001145749.10), dbSNP rs545149894, ClinGen allele CA448716346.